The following is an entry in ClinVar:

Conditions:
Breast-ovarian cancer, familial, susceptibility to, 1 (BROVCA1). Also called: BRCA1 Hereditary Breast and Ovarian Cancer; OVARIAN CANCER, SUSCEPTIBILITY TO. Identifiers: Orphanet 145, MedGen C2676676, MONDO:0011450, OMIM 604370. Disease mechanism: loss of function.

Submission:

Brotman Baty Institute, University of Washington
No classification provided (evidence only). Condition: Breast-ovarian cancer, familial 1. Review status: no classification provided. Collection method: in vitro. Allele origin: not applicable. Functional consequence: functionally_normal.
ClinVar note: "not provided" was previously submitted as the classification for the variant. However, the classification appeared to be based only on an observation of functional data so it was converted to no classification on 2025-07-30.

NM_007294.4(BRCA1):c.4994T>C (p.Val1665Ala)

Gene: BRCA1 (BRCA1 DNA repair associated; minus strand). Cytogenetic location: 17q21.31.
Variant type: single nucleotide variant.
Coding change: c.4994T>C on transcript NM_007294.4 (MANE Select); coding-DNA position 4994, T replaced by C.
Protein change: p.Val1665Ala; replaces valine 1665 with alanine.
Molecular consequence: missense variant. On other transcripts: non-coding transcript variant (1).
Genome position (GRCh38, 1-based): chr17:43,067,688, A>G on the plus strand (T>C on the coding strand, the complement: BRCA1 is on the minus strand). VCF-style: chr17-43067688-A-G. GRCh37 (hg19) VCF-style: chr17-41219705-A-G.
Other names: c.5057T>C, p.Val1686Ala (NM_001407587.1, NM_007300.4, NM_001407583.1 and 1 more transcripts); c.5054T>C, p.Val1685Ala (NM_001407590.1, NM_001407591.1); c.4994T>C, p.Val1665Ala (NM_001407593.1, NM_001407594.1, NM_001407596.1 and 8 more transcripts); c.4991T>C, p.Val1664Ala (NM_001407610.1, NM_001407611.1, NM_001407612.1 and 17 more transcripts); c.4988T>C, p.Val1663Ala (NM_001407627.1, NM_001407628.1, NM_001407629.1 and 14 more transcripts); c.4982T>C, p.Val1661Ala (NM_001407646.1); c.4979T>C, p.Val1660Ala (NM_001407647.1); c.4937T>C, p.Val1646Ala (NM_001407648.1); and 70 more; short protein forms V1665A, V561A, V1686A, V1618A, V1536A, V1538A, V1553A, V1595A.
Identifiers: ClinVar variation 868906 (VCV000868906.3), dbSNP rs1476854015, ClinGen allele CA10591530.